The following is an entry in ClinVar:

ClinVar aggregate classification (germline): Uncertain significance (1 of 4 stars; one submission).

gnomAD v4.1: 2 of 1,611,826 alleles (0.00012%); highest among the groups gnomAD compares: Admixed American, 0.0033%; no homozygotes.

Submission:

Labcorp Genetics (formerly Invitae), Labcorp
Classification: Uncertain significance. Last evaluated: 2025-06-20. Review status: criteria provided, single submitter. Criteria: Invitae Variant Classification Sherloc (09022015). Collection method: clinical testing. Allele origin: germline.
Comment: This sequence change replaces phenylalanine, which is neutral and non-polar, with serine, which is neutral and polar, at codon 188 of the FBN3 protein (p.Phe188Ser). This variant is not present in population databases (gnomAD no frequency). This variant has not been reported in the literature in individuals affected with FBN3-related conditions. An algorithm developed to predict the effect of missense changes on protein structure and function (PolyPhen-2) suggests that this variant is likely to be disruptive. In summary, the available evidence is currently insufficient to determine the role of this variant in disease. Therefore, it has been classified as a Variant of Uncertain Significance.

NM_032447.5(FBN3):c.563T>C (p.Phe188Ser)

Gene: FBN3 (fibrillin 3; minus strand). Cytogenetic location: 19p13.2.
Variant type: single nucleotide variant.
Coding change: c.563T>C on transcript NM_032447.5 (MANE Select); coding-DNA position 563, T replaced by C.
Protein change: p.Phe188Ser; replaces phenylalanine 188 with serine.
Molecular consequence: missense variant.
Genome position (GRCh38, 1-based): chr19:8,142,116, A>G on the plus strand (T>C on the coding strand, the complement: FBN3 is on the minus strand). VCF-style: chr19-8142116-A-G. GRCh37 (hg19) VCF-style: chr19-8207000-A-G.
Other names: c.563T>C, p.Phe188Ser (NM_001321431.2); short protein forms F188S.
Identifiers: ClinVar variation 4704700 (VCV004704700.1).